The following is an entry in ClinVar:

NM_015884.4(MBTPS2):c.1165C>T (p.Pro389Ser)

Gene: MBTPS2 (membrane bound transcription factor peptidase, site 2; plus strand). Cytogenetic location: Xp22.12.
Variant type: single nucleotide variant.
Coding change: c.1165C>T on transcript NM_015884.4 (MANE Select); coding-DNA position 1165, C replaced by T.
Protein change: p.Pro389Ser; replaces proline 389 with serine.
Molecular consequence: missense variant.
Genome position (GRCh38, 1-based): chrX:21,878,596, C>T. VCF-style: chrX-21878596-C-T. GRCh37 (hg19) VCF-style: chrX-21896714-C-T.
Other names: short protein forms P389S.
Identifiers: ClinVar variation 3773854 (VCV003773854.1).

ClinVar aggregate classification (germline): Likely pathogenic (1 of 4 stars; one submission).

Conditions:
MBTPS2-related disorder. Also called: MBTPS2-related condition.

Submission:

Rady Children's Institute for Genomic Medicine, Rady Children's Hospital San Diego
Classification: Likely pathogenic for MBTPS2-related disorders. Last evaluated: 2023-10-21. Review status: criteria provided, single submitter. Criteria: ACMG Guidelines, 2015. Collection method: clinical testing. Allele origin: germline. Affected: yes.
Comment: The c.1165C>T (p.Pro389Ser) variant affects a highly conserved amino acid and is predicted by multiple in silico tools to have a deleterious effect on protein function. This variant has not been previously reported or functionally characterized in the literature to our knowledge. The c.1165C>T (p.Pro389Ser) variant is absent from the gnomAD population database and thus is presumed to be rare. Based on the available evidence, c.1165C>T (p.Pro389Ser) is classified as Likely Pathogenic.